The following is an entry in ClinVar:

NC_000012.12:g.12717212_12718188del

Genes: CDKN1B (cyclin dependent kinase inhibitor 1B; plus strand), GPR19 (G protein-coupled receptor 19; minus strand), LOC130007456 (ATAC-STARR-seq lymphoblastoid silent region 4261; plus strand), LOC130007457 (ATAC-STARR-seq lymphoblastoid active region 6026; plus strand), LOC130007458 (ATAC-STARR-seq lymphoblastoid active region 6027; plus strand). Cytogenetic location: 12p13.1.
Variant type: Deletion.
Genome position: GRCh38: chr12:12,717,212-12,718,188. GRCh37 (hg19): chr12:12,870,146-12,871,122.
Identifiers: ClinVar variation 4713076 (VCV004713076.1).

ClinVar aggregate classification (germline): Pathogenic (1 of 4 stars; one submission).

Conditions:
Multiple endocrine neoplasia type 4. Also called: MULTIPLE ENDOCRINE NEOPLASIA, TYPE IV. Identifiers: Orphanet 276152, MedGen C1970712, MONDO:0012552, OMIM 610755.

Submission:

Labcorp Genetics (formerly Invitae), Labcorp
Classification: Pathogenic for Multiple endocrine neoplasia type 4. Last evaluated: 2025-02-13. Review status: criteria provided, single submitter. Criteria: Invitae Variant Classification Sherloc (09022015). Collection method: clinical testing. Allele origin: germline.
Comment: This variant results in the deletion of part of exon 1 (c.-628_349del) of the CDKN1B gene. It is expected to result in an absent or disrupted protein product. Loss-of-function variants in CDKN1B are known to be pathogenic (PMID: 17030811, 24819502). This variant is not present in population databases (gnomAD no frequency). This variant has not been reported in the literature in individuals affected with CDKN1B-related conditions. For these reasons, this variant has been classified as Pathogenic.

Literature cited by the submitters: PubMed 17030811; PubMed 24819502.